The following is an entry in ClinVar:

NM_002485.5(NBN):c.829A>G (p.Asn277Asp)

Gene: NBN (nibrin; minus strand). Cytogenetic location: 8q21.3.
Variant type: single nucleotide variant.
Coding change: c.829A>G on transcript NM_002485.5 (MANE Select); coding-DNA position 829, A replaced by G.
Protein change: p.Asn277Asp; replaces asparagine 277 with aspartic acid.
Molecular consequence: missense variant.
Genome position (GRCh38, 1-based): chr8:89,970,431, T>C on the plus strand (A>G on the coding strand, the complement: NBN is on the minus strand). VCF-style: chr8-89970431-T-C. GRCh37 (hg19) VCF-style: chr8-90982659-T-C.
Other names: c.583A>G, p.Asn195Asp (NM_001024688.3); short protein forms N277D, N195D.
Identifiers: ClinVar variation 631171 (VCV000631171.20), dbSNP rs1563559349, ClinGen allele CA371658510.

ClinVar aggregate classification (germline): Uncertain significance. Review status: criteria provided, multiple submitters, no conflicts (2 of 4 stars). 3 submissions from 3 submitters: Uncertain significance (3). Last evaluated 2025-02-04.

Conditions:
Microcephaly, normal intelligence and immunodeficiency (NBS). Also called: Immunodeficiency, microcephaly with normal intelligence; SEEMANOVA SYNDROME II; Nijmegen breakage syndrome; Microcephaly with normal intelligence immunodeficiency and lymphoreticular malignancies; Nonsyndromal microcephaly autosomal recessive with normal intelligence; Seemanova syndrome 2. Identifiers: Orphanet 647, MedGen C0398791, MONDO:0009623, OMIM 251260.
Hereditary cancer-predisposing syndrome. Also called: Hereditary Cancer Syndrome; Neoplastic Syndromes, Hereditary; Tumor predisposition; Hereditary neoplastic syndrome. Identifiers: Orphanet 140162, MedGen C0027672, MeSH D009386, MONDO:0015356.

Allele frequency attached by ClinVar (database versions not stated): TOPMed below 0.00001.
gnomAD v4.1: 2 of 1,614,054 alleles (0.00012%); highest among the groups gnomAD compares: Non-Finnish European, 0.000085%; no homozygotes.

Submissions (3):

Ambry Genetics
Classification: Uncertain significance for Hereditary cancer-predisposing syndrome. Last evaluated: 2025-02-04. Review status: criteria provided, single submitter. Criteria: Ambry Variant Classification Scheme 2023. Collection method: clinical testing. Allele origin: germline.
Comment: The p.N277D variant (also known as c.829A>G), located in coding exon 7 of the NBN gene, results from an A to G substitution at nucleotide position 829. The asparagine at codon 277 is replaced by aspartic acid, an amino acid with highly similar properties. This amino acid position is not well conserved in available vertebrate species. In addition, this alteration is predicted to be tolerated by in silico analysis. Since supporting evidence is limited at this time, the clinical significance of this alteration remains unclear.

Labcorp Genetics (formerly Invitae), Labcorp
Classification: Uncertain significance for Microcephaly, normal intelligence and immunodeficiency. Last evaluated: 2024-04-29. Review status: criteria provided, single submitter. Criteria: Invitae Variant Classification Sherloc (09022015). Collection method: clinical testing. Allele origin: germline.
Comment: This sequence change replaces asparagine, which is neutral and polar, with aspartic acid, which is acidic and polar, at codon 277 of the NBN protein (p.Asn277Asp). This variant is not present in population databases (gnomAD no frequency). This variant has not been reported in the literature in individuals affected with NBN-related conditions. ClinVar contains an entry for this variant (Variation ID: 631171). Algorithms developed to predict the effect of missense changes on protein structure and function output the following: SIFT: "Not Available"; PolyPhen-2: "Benign"; Align-GVGD: "Not Available". The aspartic acid amino acid residue is found in multiple mammalian species, which suggests that this missense change does not adversely affect protein function. In summary, the available evidence is currently insufficient to determine the role of this variant in disease. Therefore, it has been classified as a Variant of Uncertain Significance.

Genome-Nilou Lab
Classification: Uncertain significance for Microcephaly, normal intelligence and immunodeficiency. Last evaluated: 2021-11-07. Review status: criteria provided, single submitter. Criteria: ACMG Guidelines, 2015. Collection method: clinical testing. Allele origin: germline. Affected: no.